The following is an entry in ClinVar:

ClinVar aggregate classification (germline): Conflicting classifications of pathogenicity. Review status: criteria provided, conflicting classifications (1 of 4 stars). 3 submissions from 3 submitters: Uncertain significance (2); Likely benign (1). Last evaluated 2025-02-26.

Allele frequency attached by ClinVar (database versions not stated): gnomAD exomes 0.00004 and 0.00006; ExAC 0.00008; gnomAD 0.00008; TOPMed 0.00011; 1000 Genomes Project 30x 0.00016; 1000 Genomes Project 0.00020.
gnomAD v4.1: 66 of 1,614,048 alleles (0.0041%); highest among the groups gnomAD compares: African/African-American, 0.024%; no homozygotes.

Submissions (3):

Ambry Genetics
Classification: Uncertain significance. Last evaluated: 2025-02-26. Review status: criteria provided, single submitter. Criteria: Ambry Variant Classification Scheme 2023. Collection method: clinical testing. Allele origin: germline.

Blueprint Genetics
Classification: Likely benign. Last evaluated: 2023-08-29. Review status: criteria provided, single submitter. Criteria: ACMG Guidelines, 2015. Collection method: clinical testing. Allele origin: germline.

Labcorp Genetics (formerly Invitae), Labcorp
Classification: Uncertain significance. Last evaluated: 2022-10-17. Review status: criteria provided, single submitter. Criteria: Invitae Variant Classification Sherloc (09022015). Collection method: clinical testing. Allele origin: germline.
Comment: This sequence change replaces arginine, which is basic and polar, with tryptophan, which is neutral and slightly polar, at codon 1709 of the CEP250 protein (p.Arg1709Trp). This variant is present in population databases (rs557321271, gnomAD 0.03%). This variant has not been reported in the literature in individuals affected with CEP250-related conditions. ClinVar contains an entry for this variant (Variation ID: 1522099). Algorithms developed to predict the effect of missense changes on protein structure and function output the following: SIFT: "Not Available"; PolyPhen-2: "Benign"; Align-GVGD: "Not Available". The tryptophan amino acid residue is found in multiple mammalian species, which suggests that this missense change does not adversely affect protein function. In summary, the available evidence is currently insufficient to determine the role of this variant in disease. Therefore, it has been classified as a Variant of Uncertain Significance.

NM_007186.6(CEP250):c.5125C>T (p.Arg1709Trp)

Gene: CEP250 (centrosomal protein 250; plus strand). Cytogenetic location: 20q11.22.
Variant type: single nucleotide variant.
Coding change: c.5125C>T on transcript NM_007186.6 (MANE Select); coding-DNA position 5125, C replaced by T.
Protein change: p.Arg1709Trp; replaces arginine 1709 with tryptophan.
Molecular consequence: missense variant.
Genome position (GRCh38, 1-based): chr20:35,503,494, C>T. VCF-style: chr20-35503494-C-T. GRCh37 (hg19) VCF-style: chr20-34091322-C-T.
Other names: c.3229C>T, p.Arg1077Trp (NM_001318219.1); c.5125C>T (NM_007186.3); short protein forms R1077W, R1709W.
Identifiers: ClinVar variation 1522099 (VCV001522099.7), dbSNP rs557321271, ClinGen allele CA9833826.